The following is an entry in ClinVar:

NM_015559.3(SETBP1):c.2726C>T (p.Thr909Ile)

Gene: SETBP1 (SET binding protein 1; plus strand). Cytogenetic location: 18q12.3.
Variant type: single nucleotide variant.
Coding change: c.2726C>T on transcript NM_015559.3 (MANE Select); coding-DNA position 2726, C replaced by T.
Protein change: p.Thr909Ile; replaces threonine 909 with isoleucine.
Molecular consequence: missense variant.
Genome position (GRCh38, 1-based): chr18:44,952,066, C>T. VCF-style: chr18-44952066-C-T. GRCh37 (hg19) VCF-style: chr18-42532031-C-T.
Other names: c.2726C>T, p.Thr909Ile (NM_001379141.1, NM_001379142.1); short protein forms T909I.
Identifiers: ClinVar variation 1492148 (VCV001492148.8), dbSNP rs2145106868, ClinGen allele CA402322080.

ClinVar aggregate classification (germline): Uncertain significance (1 of 4 stars; one submission).

Submission:

Labcorp Genetics (formerly Invitae), Labcorp
Classification: Uncertain significance. Last evaluated: 2020-12-08. Review status: criteria provided, single submitter. Criteria: Invitae Variant Classification Sherloc (09022015). Collection method: clinical testing. Allele origin: germline.
Comment: Algorithms developed to predict the effect of missense changes on protein structure and function (SIFT, PolyPhen-2, Align-GVGD) all suggest that this variant is likely to be disruptive, but these predictions have not been confirmed by published functional studies and their clinical significance is uncertain. In summary, the available evidence is currently insufficient to determine the role of this variant in disease. Therefore, it has been classified as a Variant of Uncertain Significance. This variant has not been reported in the literature in individuals with SETBP1-related conditions. This variant is not present in population databases (ExAC no frequency). This sequence change replaces threonine with isoleucine at codon 909 of the SETBP1 protein (p.Thr909Ile). The threonine residue is highly conserved and there is a moderate physicochemical difference between threonine and isoleucine.